The following is an entry in ClinVar:

NM_001379270.1(CNGA1):c.998T>A (p.Ile333Asn)

Genes: CNGA1 (cyclic nucleotide gated channel subunit alpha 1; minus strand), LOC101927157 (uncharacterized LOC101927157; plus strand). Cytogenetic location: 4p12.
Variant type: single nucleotide variant.
Coding change: c.998T>A on transcript NM_001379270.1 (MANE Select); coding-DNA position 998, T replaced by A.
Protein change: p.Ile333Asn; replaces isoleucine 333 with asparagine.
Molecular consequence: missense variant.
Genome position (GRCh38, 1-based): chr4:47,937,484, A>T on the plus strand (T>A on the coding strand, the complement: CNGA1 is on the minus strand). VCF-style: chr4-47937484-A-T. GRCh37 (hg19) VCF-style: chr4-47939501-A-T.
Other names: c.998T>A, p.Ile333Asn (NM_000087.5, NM_001142564.2); short protein forms I333N.
Identifiers: ClinVar variation 864377 (VCV000864377.9), dbSNP rs377508142, ClinGen allele CA2911159.
Genomic context (GRCh38, chr4:47,937,484, plus strand): 5'-GTAGACCAGTAAAGGCTGTATACGTATTTTCTAGCCAAACGGCCAAATTCAGGATCATTA[A>T]TATCAGGGTAGACCCATGTATCATTTCCAAATCCAATAGCTTTAGAAATAGAGTAGAACA-3'
Protein context (NP_001366199.1, residues 323-343): FGNDTWVYPD[Ile333Asn]NDPEFGRLAR

ClinVar aggregate classification (germline): Uncertain significance. Review status: criteria provided, multiple submitters, no conflicts (2 of 4 stars). 2 submissions from 2 submitters: Uncertain significance (2). Last evaluated 2024-10-21.

Conditions:
Inborn genetic diseases. Identifiers: MedGen C0950123, MeSH D030342.

Allele frequency attached by ClinVar (database versions not stated): gnomAD exomes 0.00001 and 0.00003; ExAC 0.00005; gnomAD 0.00007 and 0.00009; ESP Exome Variant Server 0.00008; TOPMed 0.00017.
gnomAD v4.1: 24 of 1,614,098 alleles (0.0015%); highest among the groups gnomAD compares: African/African-American, 0.023%; no homozygotes.

Submissions (2):

Labcorp Genetics (formerly Invitae), Labcorp
Classification: Uncertain significance. Last evaluated: 2024-10-21. Review status: criteria provided, single submitter. Criteria: Invitae Variant Classification Sherloc (09022015). Collection method: clinical testing. Allele origin: germline.
Comment: This sequence change replaces isoleucine, which is neutral and non-polar, with asparagine, which is neutral and polar, at codon 337 of the CNGA1 protein (p.Ile337Asn). This variant is present in population databases (rs377508142, gnomAD 0.05%). This variant has not been reported in the literature in individuals affected with CNGA1-related conditions. ClinVar contains an entry for this variant (Variation ID: 864377). An algorithm developed to predict the effect of missense changes on protein structure and function (PolyPhen-2) suggests that this variant is likely to be tolerated. In summary, the available evidence is currently insufficient to determine the role of this variant in disease. Therefore, it has been classified as a Variant of Uncertain Significance.

Ambry Genetics
Classification: Uncertain significance for Inborn genetic diseases. Last evaluated: 2024-10-07. Review status: criteria provided, single submitter. Criteria: Ambry Variant Classification Scheme 2023. Collection method: clinical testing. Allele origin: germline.